The following is an entry in ClinVar:

NM_021625.5(TRPV4):c.2459-7G>A

Gene: TRPV4 (transient receptor potential cation channel subfamily V member 4; minus strand). Cytogenetic location: 12q24.11.
Variant type: single nucleotide variant.
Coding change: c.2459-7G>A on transcript NM_021625.5 (MANE Select); 7 bases into the intron before coding-DNA position 2459, G replaced by A.
Molecular consequence: intron variant.
Genome position (GRCh38, 1-based): chr12:109,783,785, C>T on the plus strand (G>A on the coding strand, the complement: TRPV4 is on the minus strand). VCF-style: chr12-109783785-C-T. GRCh37 (hg19) VCF-style: chr12-110221590-C-T.
Other names: c.2138-7G>A (NM_001177433.1); c.2318-7G>A (NM_001177428.1); c.2279-7G>A (NM_147204.2); c.2357-7G>A (NM_001177431.1).
Identifiers: ClinVar variation 3672446 (VCV003672446.2).

ClinVar aggregate classification (germline): Uncertain significance (1 of 4 stars; one submission).

Conditions:
Charcot-Marie-Tooth disease axonal type 2C (HMSN2C). Also called: CHARCOT-MARIE-TOOTH DISEASE, AXONAL, AUTOSOMAL DOMINANT, TYPE 2C; Charcot-Marie-Tooth Neuropathy Type 2C; Charcot-Marie-Tooth Disease Type 2, TRPV4-Related (CMT2C). Identifiers: Orphanet 99937, MedGen C1853710, MONDO:0011633, OMIM 606071.

gnomAD v4.1: 16 of 1,610,574 alleles (0.00099%); highest among the groups gnomAD compares: Non-Finnish European, 0.0014%; no homozygotes.

Submission:

Labcorp Genetics (formerly Invitae), Labcorp
Classification: Uncertain significance for Charcot-Marie-Tooth disease axonal type 2C. Last evaluated: 2025-01-21. Review status: criteria provided, single submitter. Criteria: Invitae Variant Classification Sherloc (09022015). Collection method: clinical testing. Allele origin: germline.
Comment: This sequence change falls in intron 15 of the TRPV4 gene. It does not directly change the encoded amino acid sequence of the TRPV4 protein. This variant is not present in population databases (gnomAD no frequency). This variant has not been reported in the literature in individuals affected with TRPV4-related conditions. Algorithms developed to predict the effect of sequence changes on RNA splicing suggest that this variant may disrupt the consensus splice site. In summary, the available evidence is currently insufficient to determine the role of this variant in disease. Therefore, it has been classified as a Variant of Uncertain Significance.